The following is an entry in ClinVar:

NM_000631.5(NCF4):c.179G>A (p.Arg60His)

Genes: NCF4 (neutrophil cytosolic factor 4; plus strand), NCF4-AS1 (NCF4 antisense RNA 1; minus strand). Cytogenetic location: 22q12.3.
Variant type: single nucleotide variant.
Coding change: c.179G>A on transcript NM_000631.5 (MANE Select); coding-DNA position 179, G replaced by A.
Protein change: p.Arg60His; replaces arginine 60 with histidine.
Molecular consequence: missense variant.
Genome position (GRCh38, 1-based): chr22:36,864,980, G>A. VCF-style: chr22-36864980-G-A. GRCh37 (hg19) VCF-style: chr22-37261022-G-A.
Other names: c.179G>A, p.Arg60His (NM_013416.4); short protein forms R60H.
Identifiers: ClinVar variation 539179 (VCV000539179.10), dbSNP rs369847561, ClinGen allele CA10212884.

ClinVar aggregate classification (germline): Uncertain significance. Review status: criteria provided, multiple submitters, no conflicts (2 of 4 stars). 3 submissions from 3 submitters: Uncertain significance (3). Last evaluated 2024-01-12.

Conditions:
Granulomatous disease, chronic, autosomal recessive, cytochrome b-positive, type 3. Also called: CGD, AUTOSOMAL RECESSIVE CYTOCHROME b-POSITIVE, TYPE III; GRANULOMATOUS DISEASE, CHRONIC, DUE TO NCF4 DEFICIENCY; Granulomatous disease, chronic, autosomal recessive, cytochrome b-positive, type III; GRANULOMATOUS DISEASE, CHRONIC, AUTOSOMAL RECESSIVE, 3. Identifiers: Orphanet 379, MedGen C3151409, MONDO:0013507, OMIM 613960.

Allele frequency attached by ClinVar (database versions not stated): ExAC 0.00003; gnomAD exomes 0.00006; ESP Exome Variant Server 0.00008; gnomAD 0.00008 and 0.00009; TOPMed 0.00009.
gnomAD v4.1: 115 of 1,614,012 alleles (0.0071%); highest among the groups gnomAD compares: African/African-American, 0.021%; 1 homozygote.

Submissions (3):

Women's Health and Genetics/Laboratory Corporation of America, LabCorp
Classification: Uncertain significance. Last evaluated: 2024-01-12. Review status: criteria provided, single submitter. Criteria: LabCorp Variant Classification Summary - May 2015. Collection method: clinical testing. Allele origin: germline.
Comment: Variant summary: NCF4 c.179G>A (p.Arg60His) results in a non-conservative amino acid change located in the Phox homology domain of the encoded protein sequence. Four of five in-silico tools predict a damaging effect of the variant on protein function. The variant allele was found at a frequency of 5.6e-05 in 251336 control chromosomes. This frequency is not significantly higher than estimated for a pathogenic variant in NCF4 causing Chronic Granulomatous Disease (5.6e-05 vs 0.00025), allowing no conclusion about variant significance. c.179G>A has been reported in the literature in an individual affected with Crohn's disease in the heterozygous state (Wright_2019). This report does not provide unequivocal conclusions about association of the variant with Chronic Granulomatous Disease. One publication reports experimental evidence evaluating an impact on protein function, however, does not allow convincing conclusions about the variant effect. ClinVar contains an entry for this variant (Variation ID: 539179). Based on the evidence outlined above, the variant was classified as uncertain significance.

Labcorp Genetics (formerly Invitae), Labcorp
Classification: Uncertain significance for Granulomatous disease, chronic, autosomal recessive, cytochrome b-positive, type 3. Last evaluated: 2022-08-15. Review status: criteria provided, single submitter. Criteria: Invitae Variant Classification Sherloc (09022015). Collection method: clinical testing. Allele origin: germline.
Comment: This sequence change replaces arginine, which is basic and polar, with histidine, which is basic and polar, at codon 60 of the NCF4 protein (p.Arg60His). This variant is present in population databases (rs369847561, gnomAD 0.03%). This missense change has been observed in individual(s) with clinical features of NCF4-related condition (PMID: 31027832). ClinVar contains an entry for this variant (Variation ID: 539179). Algorithms developed to predict the effect of missense changes on protein structure and function are either unavailable or do not agree on the potential impact of this missense change (SIFT: "Deleterious"; PolyPhen-2: "Probably Damaging"; Align-GVGD: "Class C0"). In summary, the available evidence is currently insufficient to determine the role of this variant in disease. Therefore, it has been classified as a Variant of Uncertain Significance.

Eurofins Ntd Llc (ga)
Classification: Uncertain significance. Last evaluated: 2017-07-26. Review status: criteria provided, single submitter. Criteria: EGL Classification Definitions 2015. Collection method: clinical testing. Allele origin: germline. Observed: 1 variant allele, 1 heterozygote.

Literature cited by the submitters: PubMed 31027832 (cited by Women's Health and Genetics/Laboratory Corporation of America, LabCorp and Labcorp Genetics (formerly Invitae), Labcorp).